The following is an entry in ClinVar:

NM_000501.4(ELN):c.1576+6T>G

Genes: ELN (elastin; plus strand), ELN-AS1 (ELN antisense RNA 1; minus strand). Cytogenetic location: 7q11.23.
Variant type: single nucleotide variant.
Coding change: c.1576+6T>G on transcript NM_000501.4 (MANE Select); 6 bases into the intron after coding-DNA position 1576, T replaced by G.
Molecular consequence: intron variant.
Genome position (GRCh38, 1-based): chr7:74,060,053, T>G. VCF-style: chr7-74060053-T-G. GRCh37 (hg19) VCF-style: chr7-73474383-T-G.
Other names: c.1591+6T>G (NM_001081754.3); c.1534+6T>G (NM_001081753.3); c.1663+6T>G (NM_001278939.2); c.1594+6T>G (NM_001278915.2); c.1576+6T>G (NM_001278912.2); c.1519+6T>G (NM_001081755.3); c.1477+6T>G (NM_001278916.2); c.1333+6T>G (NM_001278913.2); and 4 more.
Identifiers: ClinVar variation 2036645 (VCV002036645.4), dbSNP rs1246477367, ClinGen allele CA842065357.

ClinVar aggregate classification (germline): Uncertain significance (1 of 4 stars; one submission).

Conditions:
Supravalvar aortic stenosis (SVAS). Also called: Supravalvar aortic stenosis, Eisenberg type. Identifiers: Orphanet 3193, MedGen C0003499, MONDO:0008504, OMIM 185500, HP:0004381.

Allele frequency attached by ClinVar (database versions not stated): gnomAD exomes 0.00001.
gnomAD v4.1: 5 of 1,613,110 alleles (0.00031%); highest among the groups gnomAD compares: African/African-American, 0.0013%; no homozygotes.

Submission:

Labcorp Genetics (formerly Invitae), Labcorp
Classification: Uncertain significance for Supravalvar aortic stenosis. Last evaluated: 2022-10-23. Review status: criteria provided, single submitter. Criteria: Invitae Variant Classification Sherloc (09022015). Collection method: clinical testing. Allele origin: germline.
Comment: This variant is not present in population databases (gnomAD no frequency). This sequence change falls in intron 24 of the ELN gene. It does not directly change the encoded amino acid sequence of the ELN protein. It affects a nucleotide within the consensus splice site. This variant has not been reported in the literature in individuals affected with ELN-related conditions. In summary, the available evidence is currently insufficient to determine the role of this variant in disease. Therefore, it has been classified as a Variant of Uncertain Significance. Variants that disrupt the consensus splice site are a relatively common cause of aberrant splicing (PMID: 17576681, 9536098). Algorithms developed to predict the effect of sequence changes on RNA splicing suggest that this variant is not likely to affect RNA splicing.

Literature cited by the submitters: PubMed 17576681; PubMed 9536098.